The following is an entry in ClinVar:

ClinVar aggregate classification (germline): Uncertain significance. Review status: criteria provided, multiple submitters, no conflicts (2 of 4 stars). 2 submissions from 2 submitters: Uncertain significance (2). Last evaluated 2024-11-07.

Conditions:
Combined immunodeficiency due to LRBA deficiency. Also called: Common variable immunodeficiency 8, with autoimmunity. Identifiers: Orphanet 445018, MedGen C3553512, MONDO:0013863, OMIM 614700.

Allele frequency attached by ClinVar (database versions not stated): gnomAD exomes below 0.00001 and 0.00001; TOPMed below 0.00001; gnomAD 0.00001; ExAC 0.00002.
gnomAD v4.1: 4 of 1,613,362 alleles (0.00025%); highest among the groups gnomAD compares: Non-Finnish European, 0.00034%; no homozygotes.

Submissions (2):

Blueprint Genetics
Classification: Uncertain significance. Last evaluated: 2024-11-07. Review status: criteria provided, single submitter. Criteria: ACMG Guidelines, 2015. Collection method: clinical testing. Allele origin: germline.

Labcorp Genetics (formerly Invitae), Labcorp
Classification: Uncertain significance for Combined immunodeficiency due to LRBA deficiency. Last evaluated: 2023-11-12. Review status: criteria provided, single submitter. Criteria: Invitae Variant Classification Sherloc (09022015). Collection method: clinical testing. Allele origin: germline.
Comment: This sequence change replaces histidine, which is basic and polar, with arginine, which is basic and polar, at codon 2405 of the LRBA protein (p.His2405Arg). This variant is present in population databases (rs767456373, gnomAD 0.002%). This variant has not been reported in the literature in individuals affected with LRBA-related conditions. ClinVar contains an entry for this variant (Variation ID: 956546). Advanced modeling of protein sequence and biophysical properties (such as structural, functional, and spatial information, amino acid conservation, physicochemical variation, residue mobility, and thermodynamic stability) performed at Invitae indicates that this missense variant is not expected to disrupt LRBA protein function with a negative predictive value of 80%. In summary, the available evidence is currently insufficient to determine the role of this variant in disease. Therefore, it has been classified as a Variant of Uncertain Significance.

NM_001364905.1(LRBA):c.7181A>G (p.His2394Arg)

Gene: LRBA (LPS responsive beige-like anchor protein; minus strand). Cytogenetic location: 4q31.3.
Variant type: single nucleotide variant.
Coding change: c.7181A>G on transcript NM_001364905.1 (MANE Select); coding-DNA position 7181, A replaced by G.
Protein change: p.His2394Arg; replaces histidine 2394 with arginine.
Molecular consequence: missense variant.
Genome position (GRCh38, 1-based): chr4:150,415,451, T>C on the plus strand (A>G on the coding strand, the complement: LRBA is on the minus strand). VCF-style: chr4-150415451-T-C. GRCh37 (hg19) VCF-style: chr4-151336603-T-C.
Other names: c.7181A>G, p.His2394Arg (NM_001199282.3, NM_001367550.1); c.7214A>G, p.His2405Arg (NM_006726.5); short protein forms H2405R, H2394R.
Identifiers: ClinVar variation 956546 (VCV000956546.8), dbSNP rs767456373, ClinGen allele CA3101720.